The following is an entry in ClinVar:

ClinVar aggregate classification (germline): Likely benign (1 of 4 stars; one submission).

Allele frequency attached by ClinVar (database versions not stated): gnomAD exomes below 0.00001.
gnomAD v4.1: 1 of 1,613,250 alleles (0.000062%); highest among the groups gnomAD compares: Non-Finnish European, 0.000085%; no homozygotes.

Submission:

CeGaT Center for Human Genetics Tuebingen
Classification: Likely benign. Last evaluated: 2022-12-01. Review status: criteria provided, single submitter. Criteria: CeGaT Center For Human Genetics Tuebingen Variant Classification Criteria Version 2. Collection method: clinical testing. Allele origin: germline. Affected: yes. Observed: 1 variant allele.
Comment: ADGRV1: PM2:Supporting, BP4, BP7

NM_032119.4(ADGRV1):c.8028G>A (p.Val2676=)

Gene: ADGRV1 (adhesion G protein-coupled receptor V1; plus strand). Cytogenetic location: 5q14.3.
Variant type: single nucleotide variant.
Coding change: c.8028G>A on transcript NM_032119.4 (MANE Select); coding-DNA position 8028, G replaced by A.
Protein change: p.Val2676=; no amino-acid change (valine 2676 retained).
Molecular consequence: synonymous variant. On other transcripts: non-coding transcript variant (1).
Genome position (GRCh38, 1-based): chr5:90,697,019, G>A. VCF-style: chr5-90697019-G-A. GRCh37 (hg19) VCF-style: chr5-89992836-G-A.
Identifiers: ClinVar variation 2655586 (VCV002655586.24), dbSNP rs2530984089, ClinGen allele CA445405790.